The following is an entry in ClinVar:

NM_031307.4(PUS3):c.56G>A (p.Arg19Gln)

Genes: PUS3 (pseudouridine synthase 3; minus strand), HYLS1 (HYLS1 centriolar and ciliogenesis associated; plus strand). Cytogenetic location: 11q24.2.
Variant type: single nucleotide variant.
Coding change: c.56G>A on transcript NM_031307.4 (MANE Select); coding-DNA position 56, G replaced by A.
Protein change: p.Arg19Gln; replaces arginine 19 with glutamine.
Molecular consequence: missense variant. On other transcripts: intron variant (6).
Genome position (GRCh38, 1-based): chr11:125,896,229, C>T on the plus strand (G>A on the coding strand, the complement: PUS3 is on the minus strand). VCF-style: chr11-125896229-C-T. GRCh37 (hg19) VCF-style: chr11-125766124-C-T.
Other names: c.-80-2875C>T (NM_145014.3); c.-25-3115C>T (NM_001134793.2, NM_001377269.1); c.-22-3118C>T (NM_001424364.1, NM_001377270.1); c.-246-440G>A (NM_001271985.2); short protein forms R19Q.
Identifiers: ClinVar variation 1402952 (VCV001402952.4), dbSNP rs200689030, ClinGen allele CA6350606.

ClinVar aggregate classification (germline): Conflicting classifications of pathogenicity. Review status: criteria provided, conflicting classifications (1 of 4 stars). 2 submissions from 2 submitters: Uncertain significance (1); Likely benign (1). Last evaluated 2022-11-08.

Conditions:
Inborn genetic diseases. Identifiers: MedGen C0950123, MeSH D030342.

Allele frequency attached by ClinVar (database versions not stated): TOPMed 0.00007; gnomAD 0.00004; 1000 Genomes Project 0.00020; gnomAD exomes 0.00004; ExAC 0.00005; ESP Exome Variant Server 0.00008; 1000 Genomes Project 30x 0.00016.
gnomAD v4.1: 29 of 1,613,996 alleles (0.0018%); highest among the groups gnomAD compares: African/African-American, 0.013%; no homozygotes.

Submissions (2):

Ambry Genetics
Classification: Likely benign for Inborn genetic diseases. Last evaluated: 2022-11-08. Review status: criteria provided, single submitter. Criteria: Ambry Variant Classification Scheme 2023. Collection method: clinical testing. Allele origin: germline.

Labcorp Genetics (formerly Invitae), Labcorp
Classification: Uncertain significance. Last evaluated: 2022-08-22. Review status: criteria provided, single submitter. Criteria: Invitae Variant Classification Sherloc (09022015). Collection method: clinical testing. Allele origin: germline.
Comment: This sequence change replaces arginine, which is basic and polar, with glutamine, which is neutral and polar, at codon 19 of the PUS3 protein (p.Arg19Gln). This variant is present in population databases (rs200689030, gnomAD 0.02%). This variant has not been reported in the literature in individuals affected with PUS3-related conditions. ClinVar contains an entry for this variant (Variation ID: 1402952). Algorithms developed to predict the effect of missense changes on protein structure and function output the following: SIFT: "Tolerated"; PolyPhen-2: "Benign"; Align-GVGD: "Class C0". The glutamine amino acid residue is found in multiple mammalian species, which suggests that this missense change does not adversely affect protein function. In summary, the available evidence is currently insufficient to determine the role of this variant in disease. Therefore, it has been classified as a Variant of Uncertain Significance.